The following is an entry in ClinVar:

ClinVar aggregate classification (germline): Likely benign (1 of 4 stars; one submission).

Allele frequency attached by ClinVar (database versions not stated): TOPMed below 0.00001; ExAC 0.00001; gnomAD 0.00001; gnomAD exomes 0.00002; ESP Exome Variant Server 0.00009.
gnomAD v4.1: 27 of 1,209,862 alleles (0.0022%); highest among the groups gnomAD compares: Non-Finnish European, 0.0029%; no homozygotes.

Submission:

CeGaT Center for Human Genetics Tuebingen
Classification: Likely benign. Last evaluated: 2023-04-01. Review status: criteria provided, single submitter. Criteria: CeGaT Center For Human Genetics Tuebingen Variant Classification Criteria Version 2. Collection method: clinical testing. Allele origin: germline. Affected: yes. Observed: 1 variant allele.
Comment: PCDH11X: BP4, BP7

NM_032968.5(PCDH11X):c.3000C>G (p.Thr1000=)

Gene: PCDH11X (protocadherin 11 X-linked; plus strand). Cytogenetic location: Xq21.31.
Variant type: single nucleotide variant.
Coding change: c.3000C>G on transcript NM_032968.5 (MANE Select); coding-DNA position 3000, C replaced by G.
Protein change: p.Thr1000=; no amino-acid change (threonine 1000 retained).
Molecular consequence: synonymous variant.
Genome position (GRCh38, 1-based): chrX:91,879,240, C>G. VCF-style: chrX-91879240-C-G. GRCh37 (hg19) VCF-style: chrX-91134239-C-G.
Other names: c.3000C>G, p.Thr1000= (NM_001168360.1, NM_001168361.1, NM_001168362.1 and 2 more transcripts).
Identifiers: ClinVar variation 2661015 (VCV002661015.24), dbSNP rs371076730, ClinGen allele CA10467182.